The following is an entry in ClinVar:

ClinVar aggregate classification (germline): Likely pathogenic (1 of 4 stars; one submission).

Conditions:
Developmental and epileptic encephalopathy, 51 (DEE51). Also called: Epileptic encephalopathy, early infantile, 51. Identifiers: MedGen C4479208, MONDO:0015025, OMIM 617339.

gnomAD v4.1: 1 of 1,614,168 alleles (0.000062%); highest among the groups gnomAD compares: Non-Finnish European, 0.000085%; no homozygotes.

Submission:

OLLIN Analises Genomicas, OLLIN
Classification: Likely pathogenic for Developmental and epileptic encephalopathy, 51. Last evaluated: 2026-08-06. Review status: criteria provided, single submitter. Criteria: ACMG Guidelines 2015 PMID 25741868. Collection method: clinical testing. Allele origin: germline.
Comment: This nonsense variant, located in exon 8 (of 9), has been reported in ClinVar (accession VCV001650058.9) and in gnomAD with an allele frequency of 0.000062%. However, to our knowledge, it has not been reported in the scientific literature. This variant introduces a premature stop codon, which is predicted to result in either a truncated protein or degradation of the mRNA via nonsense-mediated decay (NMD). According to the currently available evidence, this variant has been classified as likely pathogenic (PVS1, PM2_P).

NM_005918.4(MDH2):c.825T>A (p.Cys275Ter)

Gene: MDH2 (malate dehydrogenase 2; plus strand). Cytogenetic location: 7q11.23.
Variant type: single nucleotide variant.
Coding change: c.825T>A on transcript NM_005918.4 (MANE Select); coding-DNA position 825, T replaced by A.
Protein change: p.Cys275Ter; replaces cysteine 275 with a stop codon.
Molecular consequence: nonsense.
Genome position (GRCh38, 1-based): chr7:76,064,893, T>A. VCF-style: chr7-76064893-T-A. GRCh37 (hg19) VCF-style: chr7-75694211-T-A.
Other names: c.699T>A, p.Cys233Ter (NM_001282403.2); c.504T>A, p.Cys168Ter (NM_001282404.2); short protein forms C233*, C275*, C168*.
Identifiers: ClinVar variation 5002991 (VCV005002991.1).
Genomic context (GRCh38, chr7:76,064,893, plus strand): 5'-CGCCCGCTTTGTCTTCTCCCTTGTGGATGCAATGAATGGAAAGGAAGGTGTTGTGGAATG[T>A]TCCTTCGTTAAGTCACAGGAAACGGAATGTACCTACTTCTCCACACCGCTGCTGCTTGGG-3'